The following is an entry in ClinVar:

ClinVar aggregate classification (germline): Uncertain significance. Review status: criteria provided, multiple submitters, no conflicts (2 of 4 stars). 2 submissions from 2 submitters: Uncertain significance (2). Last evaluated 2023-12-12.

Conditions:
Cardiovascular phenotype. Identifiers: MedGen CN230736.
Myofibrillar myopathy 6. Identifiers: Orphanet 199340, MedGen C2751831, MONDO:0013061, OMIM 612954.
Dilated cardiomyopathy 1HH (CMD1HH). Identifiers: Orphanet 154, MedGen C3151293, MONDO:0013479, OMIM 613881.

Allele frequency attached by ClinVar (database versions not stated): gnomAD exomes below 0.00001.
gnomAD v4.1: 1 of 1,614,190 alleles (0.000062%); highest among the groups gnomAD compares: Non-Finnish European, 0.000085%; no homozygotes.

Submissions (2):

Labcorp Genetics (formerly Invitae), Labcorp
Classification: Uncertain significance for Dilated cardiomyopathy 1HH; Myofibrillar myopathy 6. Last evaluated: 2023-12-12. Review status: criteria provided, single submitter. Criteria: Invitae Variant Classification Sherloc (09022015). Collection method: clinical testing. Allele origin: germline.
Comment: This sequence change replaces glutamic acid, which is acidic and polar, with aspartic acid, which is acidic and polar, at codon 543 of the BAG3 protein (p.Glu543Asp). This variant is not present in population databases (gnomAD no frequency). This variant has not been reported in the literature in individuals affected with BAG3-related conditions. ClinVar contains an entry for this variant (Variation ID: 1776751). Advanced modeling of protein sequence and biophysical properties (such as structural, functional, and spatial information, amino acid conservation, physicochemical variation, residue mobility, and thermodynamic stability) performed at Invitae indicates that this missense variant is not expected to disrupt BAG3 protein function with a negative predictive value of 80%. In summary, the available evidence is currently insufficient to determine the role of this variant in disease. Therefore, it has been classified as a Variant of Uncertain Significance.

Ambry Genetics
Classification: Uncertain significance for Cardiovascular phenotype. Last evaluated: 2021-11-19. Review status: criteria provided, single submitter. Criteria: Ambry Variant Classification Scheme 2023. Collection method: clinical testing. Allele origin: germline.
Comment: The p.E543D variant (also known as c.1629A>T), located in coding exon 4 of the BAG3 gene, results from an A to T substitution at nucleotide position 1629. The glutamic acid at codon 543 is replaced by aspartic acid, an amino acid with highly similar properties. This amino acid position is conserved. In addition, this alteration is predicted to be tolerated by in silico analysis. Since supporting evidence is limited at this time, the clinical significance of this alteration remains unclear.

NM_004281.4(BAG3):c.1629A>T (p.Glu543Asp)

Gene: BAG3 (BAG cochaperone 3; plus strand). Cytogenetic location: 10q26.11.
Variant type: single nucleotide variant.
Coding change: c.1629A>T on transcript NM_004281.4 (MANE Select); coding-DNA position 1629, A replaced by T.
Protein change: p.Glu543Asp; replaces glutamic acid 543 with aspartic acid.
Molecular consequence: missense variant.
Genome position (GRCh38, 1-based): chr10:119,677,183, A>T. VCF-style: chr10-119677183-A-T. GRCh37 (hg19) VCF-style: chr10-121436695-A-T.
Other names: short protein forms E543D.
Identifiers: ClinVar variation 1776751 (VCV001776751.7), dbSNP rs2494024749, ClinGen allele CA378297737.